The following is an entry in ClinVar:

NM_022051.3(EGLN1):c.140A>G (p.Gln47Arg)

Gene: EGLN1 (egl-9 family hypoxia inducible factor 1; minus strand). Cytogenetic location: 1q42.2.
Variant type: single nucleotide variant.
Coding change: c.140A>G on transcript NM_022051.3 (MANE Select); coding-DNA position 140, A replaced by G.
Protein change: p.Gln47Arg; replaces glutamine 47 with arginine.
Molecular consequence: missense variant.
Genome position (GRCh38, 1-based): chr1:231,421,749, T>C on the plus strand (A>G on the coding strand, the complement: EGLN1 is on the minus strand). VCF-style: chr1-231421749-T-C. GRCh37 (hg19) VCF-style: chr1-231557495-T-C.
Other names: c.140A>G, p.Gln47Arg (NM_001377260.1, NM_001377261.1); short protein forms Q47R.
Identifiers: ClinVar variation 1052925 (VCV001052925.5), dbSNP rs73121547, ClinGen allele CA38949047.

ClinVar aggregate classification (germline): Uncertain significance (1 of 4 stars; one submission).

Conditions:
Erythrocytosis, familial, 3 (ECYT3). Identifiers: Orphanet 247511, MedGen C1853286, MONDO:0012353, OMIM 609820.

Allele frequency attached by ClinVar (database versions not stated): gnomAD 0.00001; 1000 Genomes Project 30x 0.00031.
gnomAD v4.1: 4 of 1,549,644 alleles (0.00026%); highest among the groups gnomAD compares: African/African-American, 0.0056%; no homozygotes.

Submission:

Labcorp Genetics (formerly Invitae), Labcorp
Classification: Uncertain significance for Erythrocytosis, familial, 3. Last evaluated: 2020-01-24. Review status: criteria provided, single submitter. Criteria: Invitae Variant Classification Sherloc (09022015). Collection method: clinical testing. Allele origin: germline.
Comment: This variant has not been reported in the literature in individuals with EGLN1-related conditions. This sequence change replaces glutamine with arginine at codon 47 of the EGLN1 protein (p.Gln47Arg). The glutamine residue is moderately conserved and there is a small physicochemical difference between glutamine and arginine. The frequency data for this variant in the population databases is considered unreliable, as metrics indicate insufficient coverage at this position in the ExAC database. Algorithms developed to predict the effect of missense changes on protein structure and function are either unavailable or do not agree on the potential impact of this missense change (SIFT: "Deleterious"; PolyPhen-2: "Benign"; Align-GVGD: "Class C0"). In summary, the available evidence is currently insufficient to determine the role of this variant in disease. Therefore, it has been classified as a Variant of Uncertain Significance.